The following is an entry in ClinVar:

NM_199242.3(UNC13D):c.1106G>A (p.Ser369Asn)

Gene: UNC13D (unc-13 homolog D; minus strand). Cytogenetic location: 17q25.1.
Variant type: single nucleotide variant.
Coding change: c.1106G>A on transcript NM_199242.3 (MANE Select); coding-DNA position 1106, G replaced by A.
Protein change: p.Ser369Asn; replaces serine 369 with asparagine.
Molecular consequence: missense variant.
Genome position (GRCh38, 1-based): chr17:75,836,868, C>T on the plus strand (G>A on the coding strand, the complement: UNC13D is on the minus strand). VCF-style: chr17-75836868-C-T. GRCh37 (hg19) VCF-style: chr17-73832949-C-T.
Other names: short protein forms S369N.
Identifiers: ClinVar variation 1026768 (VCV001026768.6), dbSNP rs1192412855, ClinGen allele CA401101995.

ClinVar aggregate classification (germline): Uncertain significance (1 of 4 stars; one submission).

Conditions:
Familial hemophagocytic lymphohistiocytosis 3 (FHL3). Also called: UNC13D-Related Familial Hemophagocytic Lymphohistiocytosis (UNC13D-fHLH). Identifiers: Orphanet 540, MedGen C1837174, MONDO:0012146, OMIM 608898.

Allele frequency attached by ClinVar (database versions not stated): gnomAD exomes below 0.00001; TOPMed below 0.00001.

Submission:

Labcorp Genetics (formerly Invitae), Labcorp
Classification: Uncertain significance for Familial hemophagocytic lymphohistiocytosis 3. Last evaluated: 2020-07-03. Review status: criteria provided, single submitter. Criteria: Invitae Variant Classification Sherloc (09022015). Collection method: clinical testing. Allele origin: germline.
Comment: In summary, the available evidence is currently insufficient to determine the role of this variant in disease. Therefore, it has been classified as a Variant of Uncertain Significance. Algorithms developed to predict the effect of missense changes on protein structure and function output the following: SIFT: "Not Available"; PolyPhen-2: "Benign"; Align-GVGD: "Not Available". The asparagine amino acid residue is found in multiple mammalian species, suggesting that this missense change does not adversely affect protein function. These predictions have not been confirmed by published functional studies and their clinical significance is uncertain. This variant has not been reported in the literature in individuals with UNC13D-related conditions. This variant is not present in population databases (ExAC no frequency). This sequence change replaces serine with asparagine at codon 369 of the UNC13D protein (p.Ser369Asn). The serine residue is moderately conserved and there is a small physicochemical difference between serine and asparagine.